The following is an entry in ClinVar:

NM_000548.5(TSC2):c.2376G>A (p.Leu792=)

Gene: TSC2 (TSC complex subunit 2; plus strand). Cytogenetic location: 16p13.3.
Variant type: single nucleotide variant.
Coding change: c.2376G>A on transcript NM_000548.5 (MANE Select); coding-DNA position 2376, G replaced by A.
Protein change: p.Leu792=; no amino-acid change (leucine 792 retained).
Molecular consequence: synonymous variant.
Genome position (GRCh38, 1-based): chr16:2,074,220, G>A. VCF-style: chr16-2074220-G-A. GRCh37 (hg19) VCF-style: chr16-2124221-G-A.
Other names: c.2376G>A, p.Leu792= (NM_001077183.3, NM_001114382.3, NM_001363528.2 and 3 more transcripts); c.2265G>A, p.Leu755= (NM_001318827.2); c.2229G>A, p.Leu743= (NM_001318829.2); c.1776G>A, p.Leu592= (NM_001318831.2); c.2409G>A, p.Leu803= (NM_001318832.2).
Identifiers: ClinVar variation 643807 (VCV000643807.10), dbSNP rs1596356233, ClinGen allele CA492953034.

ClinVar aggregate classification (germline): Benign/Likely benign. Review status: criteria provided, multiple submitters, no conflicts (2 of 4 stars). 3 submissions from 3 submitters: Benign (1); Likely benign (2). Last evaluated 2025-05-20.

Conditions:
Hereditary cancer-predisposing syndrome. Also called: Neoplastic Syndromes, Hereditary; Hereditary Cancer Syndrome; Hereditary neoplastic syndrome; Tumor predisposition. Identifiers: Orphanet 140162, MedGen C0027672, MeSH D009386, MONDO:0015356.
Tuberous sclerosis 2 (TSC2). Identifiers: Orphanet 805, MedGen C1860707, MONDO:0013199, OMIM 613254.

Allele frequency attached by ClinVar (database versions not stated): gnomAD exomes below 0.00001.
gnomAD v4.1: 5 of 1,611,922 alleles (0.00031%); highest among the groups gnomAD compares: Non-Finnish European, 0.00042%; no homozygotes.

Submissions (3):

Myriad Genetics, Inc.
Classification: Benign for Tuberous sclerosis 2. Last evaluated: 2025-05-20. Review status: criteria provided, single submitter. Criteria: Myriad Autosomal Dominant, Autosomal Recessive and X-Linked Classification Criteria (2023). Collection method: clinical testing. Allele origin: unknown.
Comment: This variant is considered benign. This variant is a silent/synonymous amino acid change and it is not expected to impact splicing.

Ambry Genetics
Classification: Likely benign for Hereditary cancer-predisposing syndrome. Last evaluated: 2024-06-21. Review status: criteria provided, single submitter. Criteria: Ambry Variant Classification Scheme 2023. Collection method: clinical testing. Allele origin: germline.

Labcorp Genetics (formerly Invitae), Labcorp
Classification: Likely benign for Tuberous sclerosis 2. Last evaluated: 2024-02-17. Review status: criteria provided, single submitter. Criteria: Invitae Variant Classification Sherloc (09022015). Collection method: clinical testing. Allele origin: germline.